The following is an entry in ClinVar:

NM_014314.4(RIGI):c.9C>T (p.Thr3=)

Genes: RIGI (RNA sensor RIG-I; minus strand), LOC130001628 (ATAC-STARR-seq lymphoblastoid active region 28262; plus strand). Cytogenetic location: 9p21.1.
Variant type: single nucleotide variant.
Coding change: c.9C>T on transcript NM_014314.4 (MANE Select); coding-DNA position 9, C replaced by T.
Protein change: p.Thr3=; no amino-acid change (threonine 3 retained).
Molecular consequence: synonymous variant.
Genome position (GRCh38, 1-based): chr9:32,526,158, G>A on the plus strand (C>T on the coding strand, the complement: RIGI is on the minus strand). VCF-style: chr9-32526158-G-A. GRCh37 (hg19) VCF-style: chr9-32526156-G-A.
Other names: p.Thr3=.
Identifiers: ClinVar variation 714773 (VCV000714773.40), dbSNP rs142058831, ClinGen allele CA5020201.
Genomic context (GRCh38, chr9:32,526,158, plus strand): 5'-GGTAGGGTCCAGGGTCTTCCGGATATAATCCTGGAAGGCTTGCAGGCTGCGTCGCTGCTC[G>A]GTGGTCATGCCGGCCTCTGCTTGCAGCTAGCTACGTTCCCCGCAGGCTGTGCCTCACTAG-3'
Protein context (NP_055129.2, residues 1-13): MT[Thr3=]EQRRSLQAFQ

ClinVar aggregate classification (germline): Benign/Likely benign. Review status: criteria provided, multiple submitters, no conflicts (2 of 4 stars). 7 submissions from 7 submitters: Benign (1); Likely benign (3). 3 of the submissions do not count toward it. Last evaluated 2026-01-28.

Conditions:
RIGI-related disorder. Also called: RIGI-related condition.

Allele frequency attached by ClinVar (database versions not stated): 1000 Genomes Project 30x 0.00016; 1000 Genomes Project 0.00020; gnomAD 0.00044 and 0.00053; TOPMed 0.00046; ESP Exome Variant Server 0.00069.
gnomAD v4.1: 834 of 1,612,596 alleles (0.052%); highest among the groups gnomAD compares: Middle Eastern, 1.4%; 13 homozygotes.

Submissions (7):

Labcorp Genetics (formerly Invitae), Labcorp
Classification: Benign. Last evaluated: 2026-01-28. Review status: criteria provided, single submitter. Criteria: Invitae Variant Classification Sherloc (09022015). Collection method: clinical testing. Allele origin: germline.

Mayo Clinic Laboratories, Mayo Clinic
Classification: Likely benign. Last evaluated: 2025-05-21. Review status: criteria provided, single submitter. Criteria: ACMG Guidelines, 2015. Collection method: clinical testing. Allele origin: germline. Observed: 1 variant allele.
Comment: BS2, BP4, BP7

Blueprint Genetics
Classification: Likely benign. Last evaluated: 2024-11-25. Review status: criteria provided, single submitter. Criteria: ACMG Guidelines, 2015. Collection method: clinical testing. Allele origin: germline.

CeGaT Center for Human Genetics Tuebingen
Classification: Likely benign. Last evaluated: 2022-08-01. Review status: criteria provided, single submitter. Criteria: CeGaT Center For Human Genetics Tuebingen Variant Classification Criteria Version 2. Collection method: clinical testing. Allele origin: germline. Affected: yes. Observed: 1 variant allele.
Comment: RIGI: BP4, BP7

PreventionGenetics, part of Exact Sciences
Classification: Likely benign for RIGI-related condition. Last evaluated: 2022-04-21. Review status: no assertion criteria provided. Collection method: clinical testing. Allele origin: germline. Not counted in ClinVar's aggregate classification.
Comment: This variant is classified as likely benign based on ACMG/AMP sequence variant interpretation guidelines (Richards et al. 2015 PMID: 25741868, with internal and published modifications).

Clinical Genetics DNA and cytogenetics Diagnostics Lab, Erasmus MC, Erasmus Medical Center
Classification: Likely benign. Review status: no assertion criteria provided. Collection method: clinical testing. Allele origin: germline. Affected: yes. Study: VKGL Data-share Consensus. Not counted in ClinVar's aggregate classification.

Genome Diagnostics Laboratory, University Medical Center Utrecht
Classification: Likely benign. Review status: no assertion criteria provided. Collection method: clinical testing. Allele origin: germline. Affected: yes. Study: VKGL Data-share Consensus. Not counted in ClinVar's aggregate classification.